The following is an entry in ClinVar:

ClinVar aggregate classification (germline): Benign/Likely benign. Review status: criteria provided, multiple submitters, no conflicts (2 of 4 stars). 3 submissions from 3 submitters: Benign (1); Likely benign (2). Last evaluated 2025-11-09.

Conditions:
Hereditary cancer-predisposing syndrome. Also called: Tumor predisposition; Neoplastic Syndromes, Hereditary; Hereditary Cancer Syndrome; Hereditary neoplastic syndrome. Identifiers: Orphanet 140162, MedGen C0027672, MeSH D009386, MONDO:0015356.
Familial adenomatous polyposis 1 (FAP1). Also called: FAMILIAL ADENOMATOUS POLYPOSIS 1, ATTENUATED; POLYPOSIS, ADENOMATOUS INTESTINAL. Identifiers: MedGen C2713442, MONDO:0021056, OMIM 175100. Disease mechanism: loss of function.

Submissions (3):

Labcorp Genetics (formerly Invitae), Labcorp
Classification: Likely benign for Familial adenomatous polyposis 1. Last evaluated: 2025-11-09. Review status: criteria provided, single submitter. Criteria: Invitae Variant Classification Sherloc (09022015). Collection method: clinical testing. Allele origin: germline.

Myriad Genetics, Inc.
Classification: Benign for Familial adenomatous polyposis 1. Last evaluated: 2024-04-04. Review status: criteria provided, single submitter. Criteria: Myriad Autosomal Dominant, Autosomal Recessive and X-Linked Classification Criteria (2023). Collection method: clinical testing. Allele origin: unknown.
Comment: This variant is considered benign. This variant is a silent/synonymous amino acid change and it is not expected to impact splicing.

Ambry Genetics
Classification: Likely benign for Hereditary cancer-predisposing syndrome. Last evaluated: 2021-04-05. Review status: criteria provided, single submitter. Criteria: Ambry Variant Classification Scheme 2023. Collection method: clinical testing. Allele origin: germline.

NM_000038.6(APC):c.6231A>C (p.Thr2077=)

Gene: APC (APC regulator of Wnt signaling pathway; plus strand). Cytogenetic location: 5q22.2.
Variant type: single nucleotide variant.
Coding change: c.6231A>C on transcript NM_000038.6 (MANE Select); coding-DNA position 6231, A replaced by C.
Protein change: p.Thr2077=; no amino-acid change (threonine 2077 retained).
Molecular consequence: synonymous variant.
Genome position (GRCh38, 1-based): chr5:112,841,825, A>C. VCF-style: chr5-112841825-A-C. GRCh37 (hg19) VCF-style: chr5-112177522-A-C.
Other names: c.5928A>C, p.Thr1976= (NM_001354903.2); c.5853A>C, p.Thr1951= (NM_001354904.2); c.5751A>C, p.Thr1917= (NM_001354905.2); c.5382A>C, p.Thr1794= (NM_001354906.2); c.6231A>C, p.Thr2077= (NM_001127510.3, NM_001354895.2); c.6177A>C, p.Thr2059= (NM_001127511.3); c.6285A>C, p.Thr2095= (NM_001354896.2); c.6261A>C, p.Thr2087= (NM_001354897.2); and 5 more.
Identifiers: ClinVar variation 764453 (VCV000764453.15), dbSNP rs1580668899, ClinGen allele CA446209461.